The following is an entry in ClinVar:

ClinVar aggregate classification (germline): Conflicting classifications of pathogenicity. Review status: criteria provided, conflicting classifications (1 of 4 stars). 2 submissions from 2 submitters: Uncertain significance (1); Likely benign (1). Last evaluated 2025-02-17.

Conditions:
Charcot-Marie-Tooth disease type 2. Also called: Charcot-Marie-Tooth type 2. Identifiers: Orphanet 64746, MedGen C0270914, MONDO:0018993.

Allele frequency attached by ClinVar (database versions not stated): ExAC 0.00002; gnomAD exomes 0.00002; TOPMed 0.00001.
gnomAD v4.1: 9 of 1,614,020 alleles (0.00056%); highest among the groups gnomAD compares: South Asian, 0.0066%; no homozygotes.

Submissions (2):

Labcorp Genetics (formerly Invitae), Labcorp
Classification: Uncertain significance for Charcot-Marie-Tooth disease type 2. Last evaluated: 2025-02-17. Review status: criteria provided, single submitter. Criteria: Invitae Variant Classification Sherloc (09022015). Collection method: clinical testing. Allele origin: germline.
Comment: This sequence change replaces glutamic acid, which is acidic and polar, with lysine, which is basic and polar, at codon 1259 of the KIF1B protein (p.Glu1259Lys). This variant is present in population databases (rs762078299, gnomAD 0.02%). This variant has not been reported in the literature in individuals affected with KIF1B-related conditions. ClinVar contains an entry for this variant (Variation ID: 2174332). An algorithm developed to predict the effect of missense changes on protein structure and function (PolyPhen-2) suggests that this variant is likely to be disruptive. In summary, the available evidence is currently insufficient to determine the role of this variant in disease. Therefore, it has been classified as a Variant of Uncertain Significance.

Ambry Genetics
Classification: Likely benign. Last evaluated: 2023-03-31. Review status: criteria provided, single submitter. Criteria: Ambry Variant Classification Scheme 2023. Collection method: clinical testing. Allele origin: germline.

NM_001365951.3(KIF1B):c.3913G>A (p.Glu1305Lys)

Gene: KIF1B (kinesin family member 1B; plus strand). Cytogenetic location: 1p36.22.
Variant type: single nucleotide variant.
Coding change: c.3913G>A on transcript NM_001365951.3 (MANE Select); coding-DNA position 3913, G replaced by A.
Protein change: p.Glu1305Lys; replaces glutamic acid 1305 with lysine.
Molecular consequence: missense variant.
Genome position (GRCh38, 1-based): chr1:10,348,697, G>A. VCF-style: chr1-10348697-G-A. GRCh37 (hg19) VCF-style: chr1-10408755-G-A.
Other names: c.3913G>A, p.Glu1305Lys (NM_001365952.1); c.3775G>A, p.Glu1259Lys (NM_015074.3); short protein forms E1305K, E1259K.
Identifiers: ClinVar variation 2174332 (VCV002174332.6), dbSNP rs762078299, ClinGen allele CA581920.
Genomic context (GRCh38, chr1:10,348,697, plus strand): 5'-TTCATTACCTAGGGCATCCAGCGAAGGATCACAGTGACCATTATCCATGAGAAGGGGAGC[G>A]AGCTCCATTGGAAAGATGTTCGTGAACTGGTGGTAGGTGAGTACGTTTCATCAGCCAAGG-3'
Protein context (NP_001352880.1, residues 1295-1315): TVTIIHEKGS[Glu1305Lys]LHWKDVRELV